The following is an entry in ClinVar:

ClinVar aggregate classification (germline): Benign/Likely benign. Review status: criteria provided, multiple submitters, no conflicts (2 of 4 stars). 7 submissions from 7 submitters: Benign (1); Likely benign (5). 1 of the submissions does not count toward it. Last evaluated 2026-03-01.

Conditions:
Familial cancer of breast. Also called: hereditary breast carcinoma; Hereditary breast cancer; BREAST CANCER, FAMILIAL. Identifiers: Orphanet 227535, MedGen C0346153, MONDO:0016419, OMIM 114480. Disease mechanism: loss of function.
Fanconi anemia complementation group J. Also called: BRIP1-Related Fanconi Anemia. Identifiers: Orphanet 84, MedGen C1836860, MONDO:0012187, OMIM 609054.
Hereditary cancer-predisposing syndrome. Also called: Hereditary neoplastic syndrome; Neoplastic Syndromes, Hereditary; Hereditary Cancer Syndrome; Tumor predisposition. Identifiers: Orphanet 140162, MedGen C0027672, MeSH D009386, MONDO:0015356.

Allele frequency attached by ClinVar (database versions not stated): gnomAD exomes below 0.00001; ExAC 0.00001.
gnomAD v4.1: 4 of 1,613,798 alleles (0.00025%); highest among the groups gnomAD compares: East Asian, 0.0067%; no homozygotes.

Submissions (7):

CeGaT Center for Human Genetics Tuebingen
Classification: Likely benign. Last evaluated: 2026-03-01. Review status: criteria provided, single submitter. Criteria: CeGaT Center For Human Genetics Tuebingen Variant Classification Criteria Version 2. Collection method: clinical testing. Allele origin: germline. Affected: yes. Observed: 1 variant allele.
Comment: BRIP1: BP4, BP7

Institute for Biomarker Research, Medical Diagnostic Laboratories, L.L.C.
Classification: Likely benign for Hereditary cancer-predisposing syndrome. Last evaluated: 2026-01-20. Review status: criteria provided, single submitter. Criteria: ACMG Guidelines, 2015. Collection method: clinical testing. Allele origin: germline.
Comment: The synonymous variant NM_032043.3(BRIP1):c.588C>T (p.Asn196=) has been reported to ClinVar as Benign/Likely benign with a status of (2 stars) criteria provided, multiple submitters, no conflicts (Accession: VCV000461173.20). The p.Asn196= variant is observed in 1/18,386 (0.0054%) alleles from individuals of gnomAD East Asian background in gnomAD. The p.Asn196= variant is not predicted to disrupt an existing splice site. The p.Asn196= variant results in a substitution of a base that is not predicted conserved by GERP++ and PhyloP. For these reasons, this variant has been classified as Likely Benign.

Labcorp Genetics (formerly Invitae), Labcorp
Classification: Likely benign for Familial cancer of breast; Fanconi anemia complementation group J. Last evaluated: 2025-08-06. Review status: criteria provided, single submitter. Criteria: Invitae Variant Classification Sherloc (09022015). Collection method: clinical testing. Allele origin: germline.

Myriad Genetics, Inc.
Classification: Benign for Familial cancer of breast. Last evaluated: 2024-08-21. Review status: criteria provided, single submitter. Criteria: Myriad Autosomal Dominant, Autosomal Recessive and X-Linked Classification Criteria (2023). Collection method: clinical testing. Allele origin: unknown.
Comment: This variant is considered benign. This variant is a silent/synonymous amino acid change and it is not expected to impact splicing.

Color Diagnostics, LLC DBA Color Health
Classification: Likely benign for Hereditary cancer-predisposing syndrome. Last evaluated: 2019-06-19. Review status: criteria provided, single submitter. Criteria: ACMG Guidelines, 2015. Collection method: clinical testing. Allele origin: germline.

Ambry Genetics
Classification: Likely benign for Hereditary cancer-predisposing syndrome. Last evaluated: 2015-10-03. Review status: criteria provided, single submitter. Criteria: Ambry Variant Classification Scheme 2023. Collection method: clinical testing. Allele origin: germline.

Leiden Open Variation Database
Classification: Uncertain significance. Last evaluated: 2019-08-13. Review status: no assertion criteria provided. Collection method: curation. Allele origin: germline. Affected: yes. Not counted in ClinVar's aggregate classification.
Comment: Curator: Arleen D. Auerbach. Submitter to LOVD: Yukihide Momozawa.

Literature cited by the submitters: PubMed 31214711 (cited by Leiden Open Variation Database).

NM_032043.3(BRIP1):c.588C>T (p.Asn196=)

Gene: BRIP1 (BRCA1 interacting DNA helicase 1; minus strand). Cytogenetic location: 17q23.2.
Variant type: single nucleotide variant.
Coding change: c.588C>T on transcript NM_032043.3 (MANE Select); coding-DNA position 588, C replaced by T.
Protein change: p.Asn196=; no amino-acid change (asparagine 196 retained).
Molecular consequence: synonymous variant.
Genome position (GRCh38, 1-based): chr17:61,847,140, G>A on the plus strand (C>T on the coding strand, the complement: BRIP1 is on the minus strand). VCF-style: chr17-61847140-G-A. GRCh37 (hg19) VCF-style: chr17-59924501-G-A.
Identifiers: ClinVar variation 461173 (VCV000461173.26), dbSNP rs758851721, ClinGen allele CA8690905.